The following is an entry in ClinVar:

ClinVar aggregate classification (germline): Benign. Review status: criteria provided, multiple submitters, no conflicts (2 of 4 stars). 3 submissions from 3 submitters: Benign (2). 1 of the submissions does not count toward it. Last evaluated 2021-07-15.

Conditions:
SPEN-related disorder. Also called: SPEN-related condition.
Radio-Tartaglia syndrome. Identifiers: Orphanet 662234, MedGen C5543339, MONDO:0859143, OMIM 619312.

Allele frequency attached by ClinVar (database versions not stated): gnomAD exomes 0.58467 and 0.61550; ExAC 0.61536; 1000 Genomes Project 0.64896; gnomAD 0.67858 and 0.68752; ESP Exome Variant Server 0.68776; TOPMed 0.69395.
gnomAD v4.1: 957,621 of 1,613,020 alleles (59%); highest among the groups gnomAD compares: African/African-American, 92%; 291,367 homozygotes.

Submissions (3):

Genome-Nilou Lab
Classification: Benign for Radio-Tartaglia syndrome. Last evaluated: 2021-07-15. Review status: criteria provided, single submitter. Criteria: ACMG Guidelines, 2015. Collection method: clinical testing. Allele origin: germline. Affected: no.

Breakthrough Genomics
Classification: Benign. Review status: criteria provided, single submitter. Criteria: ACMG Guidelines, 2015. Collection method: not provided. Allele origin: germline. Inheritance: Autosomal dominant inheritance. Affected: yes.

PreventionGenetics, part of Exact Sciences
Classification: Benign for SPEN-related condition. Last evaluated: 2019-10-17. Review status: no assertion criteria provided. Collection method: clinical testing. Allele origin: germline. Not counted in ClinVar's aggregate classification.
Comment: This variant is classified as benign based on ACMG/AMP sequence variant interpretation guidelines (Richards et al. 2015 PMID: 25741868, with internal and published modifications).

NM_015001.3(SPEN):c.3272T>C (p.Leu1091Pro)

Gene: SPEN (spen family transcriptional repressor; plus strand). Cytogenetic location: 1p36.13.
Variant type: single nucleotide variant.
Coding change: c.3272T>C on transcript NM_015001.3 (MANE Select); coding-DNA position 3272, T replaced by C.
Protein change: p.Leu1091Pro; replaces leucine 1091 with proline.
Molecular consequence: missense variant.
Genome position (GRCh38, 1-based): chr1:15,929,512, T>C. VCF-style: chr1-15929512-T-C. GRCh37 (hg19) VCF-style: chr1-16256007-T-C.
Other names: c.3272T>C (NM_015001.2); short protein forms L1091P.
Identifiers: ClinVar variation 1333155 (VCV001333155.5), dbSNP rs848209, ClinGen allele CA619413.
Genomic context (GRCh38, chr1:15,929,512, plus strand): 5'-GTATTTCTGTTGGGTCTGGCTCAAGGCCCAGCTCAGACCTACAAGCAAGACTGGGAGAAC[T>C]AGCAGGTGAATCTGTGGAAAATCAAGAAGTCCAATCAAAAAAGCCCATTCCCTCAAAACC-3'
Protein context (NP_055816.2, residues 1081-1101): SSDLQARLGE[Leu1091Pro]AGESVENQEV